The following is an entry in ClinVar:

NM_005787.6(ALG3):c.790C>T (p.Leu264Phe)

Gene: ALG3 (ALG3 alpha-1,3- mannosyltransferase; minus strand). Cytogenetic location: 3q27.1.
Variant type: single nucleotide variant.
Coding change: c.790C>T on transcript NM_005787.6 (MANE Select); coding-DNA position 790, C replaced by T.
Protein change: p.Leu264Phe; replaces leucine 264 with phenylalanine.
Molecular consequence: missense variant. On other transcripts: non-coding transcript variant (2).
Genome position (GRCh38, 1-based): chr3:184,243,933, G>A on the plus strand (C>T on the coding strand, the complement: ALG3 is on the minus strand). VCF-style: chr3-184243933-G-A. GRCh37 (hg19) VCF-style: chr3-183961721-G-A.
Other names: c.646C>T, p.Leu216Phe (NM_001006941.2); short protein forms L216F, L264F.
Identifiers: ClinVar variation 992318 (VCV000992318.7), dbSNP rs376342417, ClinGen allele CA2729417.

ClinVar aggregate classification (germline): Uncertain significance. Review status: criteria provided, multiple submitters, no conflicts (2 of 4 stars). 3 submissions from 3 submitters: Uncertain significance (3). Last evaluated 2021-08-09.

Conditions:
Inborn genetic diseases. Identifiers: MedGen C0950123, MeSH D030342.

Allele frequency attached by ClinVar (database versions not stated): gnomAD exomes 0.00002 and 0.00004; ExAC 0.00006; ESP Exome Variant Server 0.00024; gnomAD 0.00041 and 0.00045; TOPMed 0.00043.
gnomAD v4.1: 104 of 1,613,760 alleles (0.0064%); highest among the groups gnomAD compares: African/African-American, 0.11%; no homozygotes.

Submissions (3):

Ambry Genetics
Classification: Uncertain significance for Inborn genetic diseases. Last evaluated: 2021-08-09. Review status: criteria provided, single submitter. Criteria: Ambry Variant Classification Scheme 2023. Collection method: clinical testing. Allele origin: germline.

GeneDx
Classification: Uncertain significance. Last evaluated: 2020-10-19. Review status: criteria provided, single submitter. Criteria: GeneDx Variant Classification Process June 2021. Collection method: clinical testing. Allele origin: germline. Affected: yes.
Comment: In silico analysis, which includes protein predictors and evolutionary conservation, supports that this variant does not alter protein structure/function; Has not been previously published as pathogenic or benign to our knowledge

Greenwood Genetic Center Diagnostic Laboratories, Greenwood Genetic Center
Classification: Uncertain significance. Last evaluated: 2020-10-19. Review status: criteria provided, single submitter. Criteria: ACMG Guidelines, 2015. Collection method: clinical testing. Allele origin: germline. Affected: yes.